The following is an entry in ClinVar:

ClinVar aggregate classification (germline): Benign/Likely benign. Review status: criteria provided, multiple submitters, no conflicts (2 of 4 stars). 8 submissions from 8 submitters: Benign (2); Likely benign (3). 3 of the submissions do not count toward it. Last evaluated 2026-01-19.

Conditions:
MYPN-related disorder. Also called: MYPN-related condition.
Cardiovascular phenotype. Identifiers: MedGen CN230736.
Dilated cardiomyopathy 1KK (CMD1KK). Identifiers: Orphanet 154, Orphanet 75249, MedGen C3714995, MONDO:0014100, OMIM 615248.

Allele frequency attached by ClinVar (database versions not stated): TOPMed 0.00002; 1000 Genomes Project 0.00180; 1000 Genomes Project 30x 0.00187.
gnomAD v4.1: 455 of 1,614,114 alleles (0.028%); highest among the groups gnomAD compares: South Asian, 0.47%; 3 homozygotes.

Submissions (8):

Labcorp Genetics (formerly Invitae), Labcorp
Classification: Benign for Dilated cardiomyopathy 1KK. Last evaluated: 2026-01-19. Review status: criteria provided, single submitter. Criteria: Invitae Variant Classification Sherloc (09022015). Collection method: clinical testing. Allele origin: germline.

Women's Health and Genetics/Laboratory Corporation of America, LabCorp
Classification: Benign. Last evaluated: 2024-12-13. Review status: criteria provided, single submitter. Criteria: LabCorp Variant Classification Summary - May 2015. Collection method: clinical testing. Allele origin: germline.

CeGaT Center for Human Genetics Tuebingen
Classification: Likely benign. Last evaluated: 2022-10-01. Review status: criteria provided, single submitter. Criteria: CeGaT Center For Human Genetics Tuebingen Variant Classification Criteria Version 2. Collection method: clinical testing. Allele origin: germline. Affected: yes. Observed: 1 variant allele.
Comment: MYPN: BP4, BP7

GeneDx
Classification: Likely benign. Last evaluated: 2019-11-18. Review status: criteria provided, single submitter. Criteria: GeneDx Variant Classification Process June 2021. Collection method: clinical testing. Allele origin: germline. Affected: yes.

Ambry Genetics
Classification: Likely benign for Cardiovascular phenotype. Last evaluated: 2017-07-12. Review status: criteria provided, single submitter. Criteria: Ambry Variant Classification Scheme 2023. Collection method: clinical testing. Allele origin: germline.

PreventionGenetics, part of Exact Sciences
Classification: Likely benign for MYPN-related condition. Last evaluated: 2021-05-05. Review status: no assertion criteria provided. Collection method: clinical testing. Allele origin: germline. Not counted in ClinVar's aggregate classification.
Comment: This variant is classified as likely benign based on ACMG/AMP sequence variant interpretation guidelines (Richards et al. 2015 PMID: 25741868, with internal and published modifications).

Clinical Genetics DNA and cytogenetics Diagnostics Lab, Erasmus MC, Erasmus Medical Center
Classification: Likely benign. Review status: no assertion criteria provided. Collection method: clinical testing. Allele origin: germline. Affected: yes. Study: VKGL Data-share Consensus. Not counted in ClinVar's aggregate classification.

Genome Diagnostics Laboratory, University Medical Center Utrecht
Classification: Likely benign. Review status: no assertion criteria provided. Collection method: clinical testing. Allele origin: germline. Affected: yes. Study: VKGL Data-share Consensus. Not counted in ClinVar's aggregate classification.

NM_032578.4(MYPN):c.3417C>G (p.Arg1139=)

Gene: MYPN (myopalladin; plus strand). Cytogenetic location: 10q21.3.
Variant type: single nucleotide variant.
Coding change: c.3417C>G on transcript NM_032578.4 (MANE Select); coding-DNA position 3417, C replaced by G.
Protein change: p.Arg1139=; no amino-acid change (arginine 1139 retained).
Molecular consequence: synonymous variant. On other transcripts: non-coding transcript variant (2).
Genome position (GRCh38, 1-based): chr10:68,199,499, C>G. VCF-style: chr10-68199499-C-G. GRCh37 (hg19) VCF-style: chr10-69959256-C-G.
Other names: c.3417C>G, p.Arg1139= (NM_001256267.2); c.2535C>G, p.Arg845= (NM_001256268.2).
Identifiers: ClinVar variation 389664 (VCV000389664.44), dbSNP rs144488384, ClinGen allele CA5523037.